The following is an entry in ClinVar:

ClinVar aggregate classification (germline): Likely benign (0 of 4 stars; one submission).

Conditions:
CELSR1-related disorder. Also called: CELSR1-related condition.

Allele frequency attached by ClinVar (database versions not stated): gnomAD exomes below 0.00001; ExAC 0.00001; TOPMed 0.00002; gnomAD 0.00003; 1000 Genomes Project 30x 0.00016; 1000 Genomes Project 0.00020.
gnomAD v4.1: 7 of 1,613,788 alleles (0.00043%); highest among the groups gnomAD compares: African/African-American, 0.008%; no homozygotes.

Submission:

PreventionGenetics, part of Exact Sciences
Classification: Likely benign for CELSR1-related condition. Last evaluated: 2019-03-25. Review status: no assertion criteria provided. Collection method: clinical testing. Allele origin: germline.
Comment: This variant is classified as likely benign based on ACMG/AMP sequence variant interpretation guidelines (Richards et al. 2015 PMID: 25741868, with internal and published modifications).

NM_001378328.1(CELSR1):c.3036C>T (p.Asn1012=)

Gene: CELSR1 (cadherin EGF LAG seven-pass G-type receptor 1; minus strand). Cytogenetic location: 22q13.31.
Variant type: single nucleotide variant.
Coding change: c.3036C>T on transcript NM_001378328.1 (MANE Select); coding-DNA position 3036, C replaced by T.
Protein change: p.Asn1012=; no amino-acid change (asparagine 1012 retained).
Molecular consequence: synonymous variant.
Genome position (GRCh38, 1-based): chr22:46,534,135, G>A on the plus strand (C>T on the coding strand, the complement: CELSR1 is on the minus strand). VCF-style: chr22-46534135-G-A. GRCh37 (hg19) VCF-style: chr22-46930032-G-A.
Other names: c.3036C>T, p.Asn1012= (NM_014246.4).
Identifiers: ClinVar variation 3046882 (VCV003046882.2), dbSNP rs562050104, ClinGen allele CA10295110.